The following is an entry in ClinVar:

ClinVar aggregate classification (germline): Uncertain significance (1 of 4 stars; one submission).

Allele frequency attached by ClinVar (database versions not stated): ExAC 0.00001; gnomAD 0.00001.
gnomAD v4.1: 12 of 1,614,034 alleles (0.00074%); highest among the groups gnomAD compares: Admixed American, 0.0033%; no homozygotes.

Submission:

Labcorp Genetics (formerly Invitae), Labcorp
Classification: Uncertain significance. Last evaluated: 2023-06-04. Review status: criteria provided, single submitter. Criteria: Invitae Variant Classification Sherloc (09022015). Collection method: clinical testing. Allele origin: germline.
Comment: ClinVar contains an entry for this variant (Variation ID: 2138441). Algorithms developed to predict the effect of missense changes on protein structure and function output the following: SIFT: "Not Available"; PolyPhen-2: "Benign"; Align-GVGD: "Not Available". The isoleucine amino acid residue is found in multiple mammalian species, which suggests that this missense change does not adversely affect protein function. In summary, the available evidence is currently insufficient to determine the role of this variant in disease. Therefore, it has been classified as a Variant of Uncertain Significance. This sequence change replaces valine, which is neutral and non-polar, with isoleucine, which is neutral and non-polar, at codon 108 of the TIMP3 protein (p.Val108Ile). This variant is present in population databases (rs779017473, gnomAD 0.006%). This variant has not been reported in the literature in individuals affected with TIMP3-related conditions.

NM_000362.5(TIMP3):c.322G>A (p.Val108Ile)

Genes: SYN3 (synapsin III; minus strand), TIMP3 (TIMP metallopeptidase inhibitor 3; plus strand). Cytogenetic location: 22q12.3.
Variant type: single nucleotide variant.
Coding change: c.322G>A on transcript NM_000362.5 (MANE Select); coding-DNA position 322, G replaced by A.
Protein change: p.Val108Ile; replaces valine 108 with isoleucine.
Molecular consequence: missense variant. On other transcripts: intron variant (7).
Genome position (GRCh38, 1-based): chr22:32,858,022, G>A. VCF-style: chr22-32858022-G-A. GRCh37 (hg19) VCF-style: chr22-33254009-G-A.
Other names: c.708+6893C>T (NM_001369909.1, NM_001135774.2, NM_001369910.1); c.711+6893C>T (NM_001369907.1, NM_003490.4, NM_001369908.1 and 1 more transcripts); short protein forms V108I.
Identifiers: ClinVar variation 2138441 (VCV002138441.4), dbSNP rs779017473, ClinGen allele CA10202234.
Genomic context (GRCh38, chr22:32,858,022, plus strand): 5'-TGGGCTAGGCTCTGGACAAAACAACCTCTCCTTGTTTTCTTCTTTCCTCCTGTAGGTCGC[G>A]TCTATGATGGCAAGATGTACACGGGGCTGTGCAACTTCGTGGAGAGGTGGGACCAGCTCA-3'
Protein context (NP_000353.1, residues 98-118): NKYQYLLTGR[Val108Ile]YDGKMYTGLC